The following is an entry in ClinVar:

ClinVar aggregate classification (germline): Uncertain significance (1 of 4 stars; one submission).

Conditions:
Multiple congenital anomalies-hypotonia-seizures syndrome 1 (MCAHS1). Also called: PIGN-CDG; Congenital disorder of glycosylation due to PIGN deficiency; GLYCOSYLPHOSPHATIDYLINOSITOL BIOSYNTHESIS DEFECT 3. Identifiers: Orphanet 280633, MedGen C3279775, MONDO:0013563, OMIM 614080.

gnomAD v4.1: 1 of 1,513,328 alleles (0.000066%); highest among the groups gnomAD compares: Non-Finnish European, 0.000089%; no homozygotes.

Submission:

Labcorp Genetics (formerly Invitae), Labcorp
Classification: Uncertain significance for Multiple congenital anomalies-hypotonia-seizures syndrome 1. Last evaluated: 2019-09-28. Review status: criteria provided, single submitter. Criteria: Invitae Variant Classification Sherloc (09022015). Collection method: clinical testing. Allele origin: germline.
Comment: Algorithms developed to predict the effect of missense changes on protein structure and function (SIFT, PolyPhen-2, Align-GVGD) all suggest that this variant is likely to be tolerated, but these predictions have not been confirmed by published functional studies and their clinical significance is uncertain. In summary, the available evidence is currently insufficient to determine the role of this variant in disease. Therefore, it has been classified as a Variant of Uncertain Significance. This variant has not been reported in the literature in individuals with PIGN-related conditions. This variant is not present in population databases (ExAC no frequency). This sequence change replaces histidine with asparagine at codon 188 of the PIGN protein (p.His188Asn). The histidine residue is weakly conserved and there is a small physicochemical difference between histidine and asparagine.

NM_176787.5(PIGN):c.562C>A (p.His188Asn)

Gene: PIGN (phosphatidylinositol glycan anchor biosynthesis class N; minus strand). Cytogenetic location: 18q21.33.
Variant type: single nucleotide variant.
Coding change: c.562C>A on transcript NM_176787.5 (MANE Select); coding-DNA position 562, C replaced by A.
Protein change: p.His188Asn; replaces histidine 188 with asparagine.
Molecular consequence: missense variant.
Genome position (GRCh38, 1-based): chr18:62,148,326, G>T on the plus strand (C>A on the coding strand, the complement: PIGN is on the minus strand). VCF-style: chr18-62148326-G-T. GRCh37 (hg19) VCF-style: chr18-59815559-G-T.
Other names: c.562C>A, p.His188Asn (NM_012327.6); short protein forms H188N.
Identifiers: ClinVar variation 942868 (VCV000942868.9), dbSNP rs773629540, ClinGen allele CA402602309.